The following is an entry in ClinVar:

ClinVar aggregate classification (germline): Uncertain significance (1 of 4 stars; one submission).

Allele frequency attached by ClinVar (database versions not stated): gnomAD exomes below 0.00001; TOPMed below 0.00001.

Submission:

Labcorp Genetics (formerly Invitae), Labcorp
Classification: Uncertain significance. Last evaluated: 2022-07-23. Review status: criteria provided, single submitter. Criteria: Invitae Variant Classification Sherloc (09022015). Collection method: clinical testing. Allele origin: germline.
Comment: This variant is present in population databases (no rsID available, gnomAD no frequency). This sequence change replaces leucine, which is neutral and non-polar, with phenylalanine, which is neutral and non-polar, at codon 96 of the GRXCR2 protein (p.Leu96Phe). This variant has not been reported in the literature in individuals affected with GRXCR2-related conditions. In summary, the available evidence is currently insufficient to determine the role of this variant in disease. Therefore, it has been classified as a Variant of Uncertain Significance. Algorithms developed to predict the effect of missense changes on protein structure and function are either unavailable or do not agree on the potential impact of this missense change (SIFT: "Deleterious"; PolyPhen-2: "Probably Damaging"; Align-GVGD: "Class C0").

NM_001080516.2(GRXCR2):c.288G>C (p.Leu96Phe)

Gene: GRXCR2 (glutaredoxin and cysteine rich domain containing 2; minus strand). Cytogenetic location: 5q32.
Variant type: single nucleotide variant.
Coding change: c.288G>C on transcript NM_001080516.2 (MANE Select); coding-DNA position 288, G replaced by C.
Protein change: p.Leu96Phe; replaces leucine 96 with phenylalanine.
Molecular consequence: missense variant.
Genome position (GRCh38, 1-based): chr5:145,872,681, C>G on the plus strand (G>C on the coding strand, the complement: GRXCR2 is on the minus strand). VCF-style: chr5-145872681-C-G. GRCh37 (hg19) VCF-style: chr5-145252244-C-G.
Other names: short protein forms L96F.
Identifiers: ClinVar variation 1921614 (VCV001921614.5), dbSNP rs1013263575, ClinGen allele CA129558233.